The following is an entry in ClinVar:

ClinVar aggregate classification (germline): Uncertain significance (1 of 4 stars; one submission).

Conditions:
Ullrich congenital muscular dystrophy 2 (UCMD2). Identifiers: Orphanet 75840, MedGen C4225314, MONDO:0014654, OMIM 616470.
Bethlem myopathy 2 (BTHLM2). Identifiers: Orphanet 536516, Orphanet 610, MedGen C4225313, MONDO:0034022, OMIM 616471.

Submission:

Labcorp Genetics (formerly Invitae), Labcorp
Classification: Uncertain significance for Bethlem myopathy 2; Ullrich congenital muscular dystrophy 2. Last evaluated: 2023-02-22. Review status: criteria provided, single submitter. Criteria: Invitae Variant Classification Sherloc (09022015). Collection method: clinical testing. Allele origin: unknown.
Comment: This variant results in a copy number gain of the genomic region encompassing exon(s) 2-47 of the COL12A1 gene. This region includes the initiator codon of the gene. This copy number gain extends beyond the assayed region for this gene and therefore may encompass additional genes. As the precise location of this event is unknown, it may be in tandem or it may be located elsewhere in the genome. This variant has not been reported in the literature in individuals affected with COL12A1-related conditions. In summary, the available evidence is currently insufficient to determine the role of this variant in disease. Therefore, it has been classified as a Variant of Uncertain Significance.

NC_000006.11:g.(?_75827078)_(75912508_?)dup

Gene: COL12A1 (collagen type XII alpha 1 chain; minus strand). Cytogenetic location: 6q13-14.1.
Variant type: Duplication.
Identifiers: ClinVar variation 3246045 (VCV003246045.1).